The following is an entry in ClinVar:

NM_000350.3(ABCA4):c.4098C>T (p.Thr1366=)

Gene: ABCA4 (ATP binding cassette subfamily A member 4; minus strand). Cytogenetic location: 1p22.1.
Variant type: single nucleotide variant.
Coding change: c.4098C>T on transcript NM_000350.3 (MANE Select); coding-DNA position 4098, C replaced by T.
Protein change: p.Thr1366=; no amino-acid change (threonine 1366 retained).
Molecular consequence: synonymous variant.
Genome position (GRCh38, 1-based): chr1:94,031,808, G>A on the plus strand (C>T on the coding strand, the complement: ABCA4 is on the minus strand). VCF-style: chr1-94031808-G-A. GRCh37 (hg19) VCF-style: chr1-94497364-G-A.
Other names: c.4098C>T (NM_000350.2); c.3876C>T, p.Thr1292= (NM_001425324.1).
Identifiers: ClinVar variation 2784859 (VCV002784859.4), dbSNP rs1357156777, ClinGen allele CA418825214.

ClinVar aggregate classification (germline): Likely benign. Review status: criteria provided, multiple submitters, no conflicts (2 of 4 stars). 2 submissions from 2 submitters: Likely benign (2). Last evaluated 2025-05-04.

Conditions:
ABCA4-related disorder. Also called: ABCA4-related condition; ABCA4-related disorders. Identifiers: MedGen CN239167.

Allele frequency attached by ClinVar (database versions not stated): gnomAD exomes below 0.00001; gnomAD 0.00001.
gnomAD v4.1: 5 of 1,613,856 alleles (0.00031%); highest among the groups gnomAD compares: Admixed American, 0.0017%; no homozygotes.

Submissions (2):

PreventionGenetics, part of Exact Sciences
Classification: Likely benign for ABCA4-related condition. Last evaluated: 2025-05-04. Review status: criteria provided, single submitter. Criteria: ACMG Guidelines, 2015. Collection method: clinical testing. Allele origin: germline.
Comment: This variant is classified as likely benign based on ACMG/AMP sequence variant interpretation guidelines (Richards et al. 2015 PMID: 25741868, with internal and published modifications).

Labcorp Genetics (formerly Invitae), Labcorp
Classification: Likely benign. Last evaluated: 2025-04-16. Review status: criteria provided, single submitter. Criteria: Invitae Variant Classification Sherloc (09022015). Collection method: clinical testing. Allele origin: germline.